The following is an entry in ClinVar:

ClinVar aggregate classification (germline): Benign/Likely benign. Review status: criteria provided, multiple submitters, no conflicts (2 of 4 stars). 9 submissions from 8 submitters: Benign (6); Likely benign (2). 1 of the submissions does not count toward it. Last evaluated 2026-01-27.

Conditions:
Emery-Dreifuss muscular dystrophy 4, autosomal dominant (EDMD4). Also called: EMERY-DREIFUSS MUSCULAR DYSTROPHY 4 WITH VARIABLE FEATURES. Identifiers: Orphanet 261, MedGen C2751807, MONDO:0013071, OMIM 612998.
Autosomal recessive ataxia, Beauce type. Also called: SYNE1-Related Autosomal Recessive Cerebellar Ataxia; ATAXIA, RECESSIVE, OF BEAUCE; Spinocerebellar ataxia, autosomal recessive 8; SYNE1 Deficiency. Identifiers: Orphanet 88644, MedGen C1853116, MONDO:0012549, OMIM 610743.

Allele frequency attached by ClinVar (database versions not stated): gnomAD 0.01497 and 0.01595; ESP Exome Variant Server 0.01845; gnomAD exomes 0.00167 and 0.00414; ExAC 0.00514; TOPMed 0.01700; 1000 Genomes Project 0.01198; 1000 Genomes Project 30x 0.01265.
gnomAD v4.1: 4,807 of 1,614,174 alleles (0.3%); highest among the groups gnomAD compares: African/African-American, 5.3%; 107 homozygotes.

Submissions (9):

Labcorp Genetics (formerly Invitae), Labcorp
Classification: Benign for Emery-Dreifuss muscular dystrophy 4, autosomal dominant; Autosomal recessive ataxia, Beauce type. Last evaluated: 2026-01-27. Review status: criteria provided, single submitter. Criteria: Invitae Variant Classification Sherloc (09022015). Collection method: clinical testing. Allele origin: germline.

Athena Diagnostics
Classification: Benign. Last evaluated: 2024-04-11. Review status: criteria provided, single submitter. Criteria: Athena Diagnostics Criteria. Collection method: clinical testing. Allele origin: unknown.

Mayo Clinic Laboratories, Mayo Clinic
Classification: Benign. Last evaluated: 2023-02-13. Review status: criteria provided, single submitter. Criteria: ACMG Guidelines, 2015. Collection method: clinical testing. Allele origin: germline. Observed: 9 variant alleles.
Comment: BA1, BP4, BP7

Illumina Laboratory Services, Illumina
Classification: Benign for Emery-Dreifuss muscular dystrophy 4, autosomal dominant. Last evaluated: 2018-01-12. Review status: criteria provided, single submitter. Criteria: ICSL Variant Classification Criteria 13 December 2019. Collection method: clinical testing. Allele origin: germline.
Comment: This variant was observed in the ICSL laboratory as part of a predisposition screen in an ostensibly healthy population. It had not been previously curated by ICSL or reported in the Human Gene Mutation Database (HGMD: prior to June 1st, 2018), and was therefore a candidate for classification through an automated scoring system. Utilizing variant allele frequency, disease prevalence and penetrance estimates, and inheritance mode, an automated score was calculated to assess if this variant is too frequent to cause the disease. Based on the score and internal cut-off values, a variant classified as benign is not then subjected to further curation. The score for this variant resulted in a classification of benign for this disease.

Illumina Laboratory Services, Illumina
Classification: Benign for Autosomal recessive ataxia, Beauce type. Last evaluated: 2018-01-12. Review status: criteria provided, single submitter. Criteria: ICSL Variant Classification Criteria 13 December 2019. Collection method: clinical testing. Allele origin: germline.
Comment: the same text as in the submission from Illumina Laboratory Services, Illumina above.

GeneDx
Classification: Benign. Last evaluated: 2016-05-26. Review status: criteria provided, single submitter. Criteria: GeneDx Variant Classification (06012015). Collection method: clinical testing. Allele origin: germline. Affected: yes.
Comment: This variant is considered likely benign or benign based on one or more of the following criteria: it is a conservative change, it occurs at a poorly conserved position in the protein, it is predicted to be benign by multiple in silico algorithms, and/or has population frequency not consistent with disease.

Breakthrough Genomics
Classification: Likely benign. Review status: criteria provided, single submitter. Criteria: ACMG Guidelines, 2015. Collection method: not provided. Allele origin: germline. Inheritance: Autosomal recessive inheritance. Affected: yes.

PreventionGenetics, part of Exact Sciences
Classification: Likely benign. Review status: criteria provided, single submitter. Criteria: ACMG Guidelines, 2015. Collection method: clinical testing. Allele origin: germline.

Genetic Services Laboratory, University of Chicago
Classification: Likely benign for AllHighlyPenetrant. Review status: no assertion criteria provided. Collection method: clinical testing. Allele origin: germline. Inheritance: Autosomal dominant inheritance. Not counted in ClinVar's aggregate classification.
Comment: Likely benign based on allele frequency in 1000 Genomes Project or ESP global frequency and its presence in a patient with a rare or unrelated disease phenotype. NOT Sanger confirmed.

NM_182961.4(SYNE1):c.19989T>C (p.His6663=)

Gene: SYNE1 (spectrin repeat containing nuclear envelope protein 1; minus strand). Cytogenetic location: 6q25.2.
Variant type: single nucleotide variant.
Coding change: c.19989T>C on transcript NM_182961.4 (MANE Select); coding-DNA position 19989, T replaced by C.
Protein change: p.His6663=; no amino-acid change (histidine 6663 retained).
Molecular consequence: synonymous variant.
Genome position (GRCh38, 1-based): chr6:152,239,611, A>G on the plus strand (T>C on the coding strand, the complement: SYNE1 is on the minus strand). VCF-style: chr6-152239611-A-G. GRCh37 (hg19) VCF-style: chr6-152560746-A-G.
Other names: p.His6592=; c.19776T>C, p.His6592= (NM_033071.5).
Identifiers: ClinVar variation 130416 (VCV000130416.24), dbSNP rs61746395, ClinGen allele CA155395.
Genomic context (GRCh38, chr6:152,239,611, plus strand): 5'-CTCCACACCCCTCTTGTGAGCCCGTTTCAGTACAGCAGAAGCCTGAGCCATCAGCTCTGT[A>G]TGGAACTGGGTTTCCTTTTGGACTGCAAAGCTGATTATCTTTCTGAAGAGTGTTTCAGTC-3'
Protein context (NP_892006.3, residues 6653-6673): SFAVQKETQF[His6663=]TELMAQASAV